The following is an entry in ClinVar:

NM_000393.5(COL5A2):c.4262A>C (p.Lys1421Thr)

Gene: COL5A2 (collagen type V alpha 2 chain; minus strand). Cytogenetic location: 2q32.2.
Variant type: single nucleotide variant.
Coding change: c.4262A>C on transcript NM_000393.5 (MANE Select); coding-DNA position 4262, A replaced by C.
Protein change: p.Lys1421Thr; replaces lysine 1421 with threonine.
Molecular consequence: missense variant.
Genome position (GRCh38, 1-based): chr2:189,035,007, T>G on the plus strand (A>C on the coding strand, the complement: COL5A2 is on the minus strand). VCF-style: chr2-189035007-T-G. GRCh37 (hg19) VCF-style: chr2-189899733-T-G.
Other names: c.4262A>C (NM_000393.3); short protein forms K1421T.
Identifiers: ClinVar variation 4738774 (VCV004738774.2).

ClinVar aggregate classification (germline): Uncertain significance. Review status: criteria provided, multiple submitters, no conflicts (2 of 4 stars). 2 submissions from 2 submitters: Uncertain significance (2). Last evaluated 2026-09-10.

Conditions:
Familial thoracic aortic aneurysm and aortic dissection (TAAD). Also called: Thoracic aortic aneurysms and dissections. Identifiers: Orphanet 91387, MedGen C4707243, MONDO:0019625.
Ehlers-Danlos syndrome, classic type, 1 (EDSCL1). Also called: EHLERS-DANLOS SYNDROME, GRAVIS TYPE; EHLERS-DANLOS SYNDROME, SEVERE CLASSIC TYPE; EDS I; Ehlers-Danlos syndrome, type 1; Ehlers-Danlos Syndrome, Classic Type, COL5A1-Related. Identifiers: MedGen C0268335, MONDO:0019567, OMIM 130000.

gnomAD v4.1: 1 of 1,613,834 alleles (0.000062%); highest among the groups gnomAD compares: African/African-American, 0.0013%; no homozygotes.

Submissions (2):

Ambry Genetics
Classification: Uncertain significance for Familial thoracic aortic aneurysm and aortic dissection. Last evaluated: 2026-09-10. Review status: criteria provided, single submitter. Criteria: Ambry Variant Classification Scheme 2023. Collection method: clinical testing. Allele origin: germline.

Labcorp Genetics (formerly Invitae), Labcorp
Classification: Uncertain significance for Ehlers-Danlos syndrome, classic type, 1. Last evaluated: 2025-04-22. Review status: criteria provided, single submitter. Criteria: Invitae Variant Classification Sherloc (09022015). Collection method: clinical testing. Allele origin: germline.
Comment: This sequence change replaces lysine, which is basic and polar, with threonine, which is neutral and polar, at codon 1421 of the COL5A2 protein (p.Lys1421Thr). This variant is not present in population databases (gnomAD no frequency). This variant has not been reported in the literature in individuals affected with COL5A2-related conditions. Invitae Evidence Modeling of protein sequence and biophysical properties (such as structural, functional, and spatial information, amino acid conservation, physicochemical variation, residue mobility, and thermodynamic stability) indicates that this missense variant is not expected to disrupt COL5A2 protein function with a negative predictive value of 80%. In summary, the available evidence is currently insufficient to determine the role of this variant in disease. Therefore, it has been classified as a Variant of Uncertain Significance.